The following is an entry in ClinVar:

ClinVar aggregate classification (germline): Pathogenic (1 of 4 stars; one submission).

Submission:

Quest Diagnostics Nichols Institute San Juan Capistrano
Classification: Pathogenic. Last evaluated: 2022-11-29. Review status: criteria provided, single submitter. Criteria: ACMG/ClinGen CNV Guidelines, 2019. Collection method: clinical testing. Allele origin: unknown.
Comment: The copy number loss of 1p36.23 involves multiple exons (NM_015215.4) of an intragenic portion of CAMTA1 (OMIM 614756). Heterozygous loss-of-function variants of CAMTA1 are associated with autosomal dominant cerebellar dysfunction with variable cognitive and behavioral abnormalities (OMIM 614756, Jacobs 2021, Shinawi 2015, Thevenon 2012). The current interval, though in-frame, is expected to cause loss of most of the protein product and to result in a nonfunctional protein. There are no similar copy number losses of this region in the general populations of the Database of Genomic Variants. Thus, this copy number variant (CNV) is classified as pathogenic. References: Jacobs et al., Clin Genet. 2021 Feb;99(2):259-268. PMID: 33131045 Shinawi et al., Clin Genet. 2015 May;87(5):478-82. PMID: 24738973 Thevenon et al., J Med Genet. 2012 Jun;49(6):400-8. PMID: 22693284

GRCh37/hg19 1p36.23(chr1:7490132-7800890)x1

Gene: CAMTA1 (calmodulin binding transcription activator 1; plus strand). Cytogenetic location: 1p36.23.
Variant type: copy number loss.
Change: copy number 1 (one copy instead of two) of chr1:7,490,132-7,800,890 (310.8 kb, GRCh37 coordinates, 1-based), cytogenetic band 1p36.23.
Identifiers: ClinVar variation 2685321 (VCV002685321.1).